The following is an entry in ClinVar:

NM_030973.4(MED25):c.1090G>A (p.Ala364Thr)

Gene: MED25 (mediator complex subunit 25; plus strand). Cytogenetic location: 19q13.33.
Variant type: single nucleotide variant.
Coding change: c.1090G>A on transcript NM_030973.4 (MANE Select); coding-DNA position 1090, G replaced by A.
Protein change: p.Ala364Thr; replaces alanine 364 with threonine.
Molecular consequence: missense variant.
Genome position (GRCh38, 1-based): chr19:49,830,876, G>A. VCF-style: chr19-49830876-G-A. GRCh37 (hg19) VCF-style: chr19-50334133-G-A.
Other names: c.1090G>A, p.Ala364Thr (NM_001378355.1); short protein forms A364T.
Identifiers: ClinVar variation 855342 (VCV000855342.6), dbSNP rs370994862, ClinGen allele CA9585129.
Genomic context (GRCh38, chr19:49,830,876, plus strand): 5'-CCCAGTCTGGTCTCCACTGTGGCCCCTGGCTCCGGCCTGGCTCCCACGGCACAGCCCGGG[G>A]CACCGTCCATGGTAGGTGCCTGCACGCCTCCTGCCCCTGCTCCTTCCTCCTGCTGTCCAC-3'
Protein context (NP_112235.2, residues 354-374): SGLAPTAQPG[Ala364Thr]PSMAGTVAPG

ClinVar aggregate classification (germline): Uncertain significance. Review status: criteria provided, multiple submitters, no conflicts (2 of 4 stars). 2 submissions from 2 submitters: Uncertain significance (2). Last evaluated 2022-08-23.

Conditions:
Charcot-Marie-Tooth disease. Also called: Charcot-Marie-Tooth Hereditary Neuropathy; Charcot-Marie-Tooth Neuropathy. Identifiers: Orphanet 166, MedGen C0007959, MONDO:0015626.
Charcot-Marie-Tooth disease type 2. Also called: Charcot-Marie-Tooth type 2. Identifiers: Orphanet 64746, MedGen C0270914, MONDO:0018993.

Allele frequency attached by ClinVar (database versions not stated): ExAC 0.00003; gnomAD exomes 0.00004; TOPMed 0.00008; ESP Exome Variant Server 0.00031; gnomAD 0.00013 and 0.00011.
gnomAD v4.1: 43 of 1,608,646 alleles (0.0027%); highest among the groups gnomAD compares: African/African-American, 0.055%; no homozygotes.

Submissions (2):

Labcorp Genetics (formerly Invitae), Labcorp
Classification: Uncertain significance for Charcot-Marie-Tooth disease type 2. Last evaluated: 2022-08-23. Review status: criteria provided, single submitter. Criteria: Invitae Variant Classification Sherloc (09022015). Collection method: clinical testing. Allele origin: germline.
Comment: This sequence change replaces alanine, which is neutral and non-polar, with threonine, which is neutral and polar, at codon 364 of the MED25 protein (p.Ala364Thr). This variant is present in population databases (rs370994862, gnomAD 0.07%). This missense change has been observed in individual(s) with clinical features of MED25-related conditions (PMID: 32376792). ClinVar contains an entry for this variant (Variation ID: 855342). Algorithms developed to predict the effect of missense changes on protein structure and function are either unavailable or do not agree on the potential impact of this missense change (SIFT: "Tolerated"; PolyPhen-2: "Possibly Damaging"; Align-GVGD: "Class C0"). In summary, the available evidence is currently insufficient to determine the role of this variant in disease. Therefore, it has been classified as a Variant of Uncertain Significance.

Molecular Genetics Laboratory, London Health Sciences Centre
Classification: Uncertain significance for Charcot-Marie-Tooth disease. Review status: criteria provided, single submitter. Criteria: ACMG Guidelines, 2015. Collection method: clinical testing. Allele origin: germline. Affected: yes.

Literature cited by the submitters: PubMed 32376792 (cited by Labcorp Genetics (formerly Invitae), Labcorp).